The following is an entry in ClinVar:

NM_014159.7(SETD2):c.5622G>T (p.Lys1874Asn)

Gene: SETD2 (SET domain containing 2, histone lysine methyltransferase; minus strand). Cytogenetic location: 3p21.31.
Variant type: single nucleotide variant.
Coding change: c.5622G>T on transcript NM_014159.7 (MANE Select); coding-DNA position 5622, G replaced by T.
Protein change: p.Lys1874Asn; replaces lysine 1874 with asparagine.
Molecular consequence: missense variant. On other transcripts: non-coding transcript variant (1).
Genome position (GRCh38, 1-based): chr3:47,084,158, C>A on the plus strand (G>T on the coding strand, the complement: SETD2 is on the minus strand). VCF-style: chr3-47084158-C-A. GRCh37 (hg19) VCF-style: chr3-47125648-C-A.
Other names: c.5490G>T, p.Lys1830Asn (NM_001349370.3); short protein forms K1830N, K1874N.
Identifiers: ClinVar variation 3372259 (VCV003372259.1).
Genomic context (GRCh38, chr3:47,084,158, plus strand): 5'-AGAGATTGCACTGTCCATGCTATTTTCACTTATAATTTTCAGTCTGCGAAACATTAGTTT[C>A]TTGGGAGTGTCTGTGTCAGCTTCTGTGCTCAGCTTGGTGGAAGGATCAGGTGTGTTGAGT-3'
Protein context (NP_054878.5, residues 1864-1884): LSTEADTDTP[Lys1874Asn]KLMFRRLKII

ClinVar aggregate classification (germline): Uncertain significance (1 of 4 stars; one submission).

Submission:

GeneDx
Classification: Uncertain significance. Last evaluated: 2024-04-08. Review status: criteria provided, single submitter. Criteria: GeneDx Variant Classification Process June 2021. Collection method: clinical testing. Allele origin: germline. Affected: yes.
Comment: Not observed at significant frequency in large population cohorts (gnomAD); In silico analysis indicates that this missense variant does not alter protein structure/function; Has not been previously published as pathogenic or benign to our knowledge